The following is an entry in ClinVar:

NM_001330260.2(SCN8A):c.614+1G>C

Gene: SCN8A (sodium voltage-gated channel alpha subunit 8; plus strand). Cytogenetic location: 12q13.13.
Variant type: single nucleotide variant.
Coding change: c.614+1G>C on transcript NM_001330260.2 (MANE Select); the canonical splice donor site of the intron after coding-DNA position 614, G replaced by C.
Molecular consequence: splice donor variant.
Genome position (GRCh38, 1-based): chr12:51,687,220, G>C. VCF-style: chr12-51687220-G-C. GRCh37 (hg19) VCF-style: chr12-52081004-G-C.
Other names: c.614+1G>C (NM_014191.4, NM_001177984.3, NM_001369788.1).
Identifiers: ClinVar variation 4731744 (VCV004731744.1).

ClinVar aggregate classification (germline): Likely pathogenic (1 of 4 stars; one submission).

Conditions:
Early-infantile DEE. Also called: Early infantile epileptic encephalopathy; Early infantile epileptic encephalopathy with suppression bursts; Ohtahara syndrome. Identifiers: Orphanet 1934, MedGen C0393706, MONDO:0800491.

Submission:

Labcorp Genetics (formerly Invitae), Labcorp
Classification: Likely pathogenic for Early-infantile DEE. Last evaluated: 2025-11-23. Review status: criteria provided, single submitter. Criteria: Invitae Variant Classification Sherloc (09022015). Collection method: clinical testing. Allele origin: germline.
Comment: This sequence change affects a donor splice site in intron 5 of the SCN8A gene. It is expected to disrupt RNA splicing. Variants that disrupt the donor or acceptor splice site typically lead to a loss of protein function (PMID: 16199547), and loss-of-function variants in SCN8A are known to be pathogenic (PMID: 19254928, 32651551). This variant is not present in population databases (gnomAD no frequency). This variant has not been reported in the literature in individuals affected with SCN8A-related conditions. Algorithms developed to predict the effect of sequence changes on RNA splicing suggest that this variant may disrupt the consensus splice site. In summary, the currently available evidence indicates that the variant is pathogenic, but additional data are needed to prove that conclusively. Therefore, this variant has been classified as Likely Pathogenic.

Literature cited by the submitters: PubMed 16199547; PubMed 19254928; PubMed 32651551.